The following is an entry in ClinVar:

ClinVar aggregate classification (germline): Uncertain significance (1 of 4 stars; one submission).

Conditions:
Myofibrillar myopathy 6. Identifiers: Orphanet 199340, MedGen C2751831, MONDO:0013061, OMIM 612954.
Dilated cardiomyopathy 1HH (CMD1HH). Identifiers: Orphanet 154, MedGen C3151293, MONDO:0013479, OMIM 613881.

Submission:

Labcorp Genetics (formerly Invitae), Labcorp
Classification: Uncertain significance for Dilated cardiomyopathy 1HH; Myofibrillar myopathy 6. Last evaluated: 2026-01-11. Review status: criteria provided, single submitter. Criteria: Invitae Variant Classification Sherloc (09022015). Collection method: clinical testing. Allele origin: germline.
Comment: This sequence change replaces threonine, which is neutral and polar, with asparagine, which is neutral and polar, at codon 34 of the BAG3 protein (p.Thr34Asn). This variant is not present in population databases (gnomAD no frequency). This variant has not been reported in the literature in individuals affected with BAG3-related conditions. An algorithm developed to predict the effect of missense changes on protein structure and function (PolyPhen-2) suggests that this variant is likely to be disruptive. In summary, the available evidence is currently insufficient to determine the role of this variant in disease. Therefore, it has been classified as a Variant of Uncertain Significance.

NM_004281.4(BAG3):c.101C>A (p.Thr34Asn)

Gene: BAG3 (BAG cochaperone 3; plus strand). Cytogenetic location: 10q26.11.
Variant type: single nucleotide variant.
Coding change: c.101C>A on transcript NM_004281.4 (MANE Select); coding-DNA position 101, C replaced by A.
Protein change: p.Thr34Asn; replaces threonine 34 with asparagine.
Molecular consequence: missense variant.
Genome position (GRCh38, 1-based): chr10:119,651,776, C>A. VCF-style: chr10-119651776-C-A. GRCh37 (hg19) VCF-style: chr10-121411288-C-A.
Other names: short protein forms T34N.
Identifiers: ClinVar variation 4794129 (VCV004794129.1).
Genomic context (GRCh38, chr10:119,651,776, plus strand): 5'-CCGGCAACGGTGACCGCGACCCTTTGCCCCCCGGATGGGAGATCAAGATCGACCCGCAGA[C>A]CGGCTGGCCCTTCTTCGTGGACCACAACAGCCGCACCACTACGTGGAACGACCCGCGCGT-3'
Protein context (NP_004272.2, residues 24-44): PGWEIKIDPQ[Thr34Asn]GWPFFVDHNS